The following is an entry in ClinVar:

ClinVar aggregate classification (germline): Uncertain significance (1 of 4 stars; one submission).

Allele frequency attached by ClinVar (database versions not stated): gnomAD exomes below 0.00001; TOPMed below 0.00001; ExAC 0.00001.
gnomAD v4.1: 1 of 1,614,182 alleles (0.000062%); highest among the groups gnomAD compares: Non-Finnish European, 0.000085%; no homozygotes.

Submission:

GeneDx
Classification: Uncertain significance. Last evaluated: 2022-05-09. Review status: criteria provided, single submitter. Criteria: GeneDx Variant Classification Process June 2021. Collection method: clinical testing. Allele origin: germline. Affected: yes.
Comment: Not observed at significant frequency in large population cohorts (gnomAD); Has not been previously published as pathogenic or benign to our knowledge; In silico analysis suggests this variant may impact gene splicing. In the absence of RNA/functional studies, the actual effect of this sequence change is unknown.

NM_001292034.3(TAB2):c.1332C>T (p.Gly444=)

Genes: TAB2 (TGF-beta activated kinase 1 (MAP3K7) binding protein 2; plus strand), LOC126859827 (BRD4-independent group 4 enhancer GRCh37_chr6:149699707-149700906; plus strand). Cytogenetic location: 6q25.1.
Variant type: single nucleotide variant.
Coding change: c.1332C>T on transcript NM_001292034.3 (MANE Select); coding-DNA position 1332, C replaced by T.
Protein change: p.Gly444=; no amino-acid change (glycine 444 retained).
Molecular consequence: synonymous variant.
Genome position (GRCh38, 1-based): chr6:149,379,247, C>T. VCF-style: chr6-149379247-C-T. GRCh37 (hg19) VCF-style: chr6-149700383-C-T.
Other names: c.1236C>T, p.Gly412= (NM_001292035.3); c.1332C>T, p.Gly444= (NM_001369506.1, NM_015093.6).
Identifiers: ClinVar variation 1723849 (VCV001723849.2), dbSNP rs746756704, ClinGen allele CA4041526.
Genomic context (GRCh38, chr6:149,379,247, plus strand): 5'-GCAAGTGAGCATGGGTCCTGCCTTTATTCATCACCATCCTCCCAAAAGTCGAGCAATAGG[C>T]AATAACTCTGCAACCTCTCCTCGAGTGGTAGTCACTCAGCCCAATACGAAATACACTTTC-3'
Protein context (NP_001278963.1, residues 434-454): HHHPPKSRAI[Gly444=]NNSATSPRVV